The following is an entry in ClinVar:

NM_152564.5(VPS13B):c.2934+2T>G

Gene: VPS13B (vacuolar protein sorting 13 homolog B; plus strand). Cytogenetic location: 8q22.2.
Variant type: single nucleotide variant.
Coding change: c.2934+2T>G on transcript NM_152564.5 (MANE Select); the canonical splice donor site of the intron after coding-DNA position 2934, T replaced by G.
Molecular consequence: splice donor variant.
Genome position (GRCh38, 1-based): chr8:99,384,319, T>G. VCF-style: chr8-99384319-T-G. GRCh37 (hg19) VCF-style: chr8-100396547-T-G.
Other names: c.2934+2T>G (NM_017890.5).
Identifiers: ClinVar variation 4081829 (VCV004081829.1).
Genomic context (GRCh38, chr8:99,384,319, plus strand): 5'-TCTTATATACGTGGCTCATCTATCAGCCTCAGAAACGAACAAGTAGACATATGCAACAGG[T>G]AAGAGATTTTTAAATAATTTTTTCTGTTAACAAATATTTTTCTTATTCATTTAGTAGAAT-3'

ClinVar aggregate classification (germline): Likely pathogenic (1 of 4 stars; one submission).

Conditions:
Cohen syndrome (COH1). Also called: PEPPER SYNDROME; Cutis verticis gyrata, retinitis pigmentosa, and sensorineural deafness. Identifiers: Orphanet 193, MedGen C0265223, MONDO:0008999, OMIM 216550.

Submission:

Myriad Genetics, Inc.
Classification: Likely pathogenic for Cohen syndrome. Last evaluated: 2025-07-08. Review status: criteria provided, single submitter. Criteria: Myriad Autosomal Dominant, Autosomal Recessive and X-Linked Classification Criteria (2023). Collection method: clinical testing. Allele origin: unknown.
Comment: NM_017890.4(VPS13B):c.2934+2T>G is a variant in a canonical splice site classified as likely pathogenic in the context of Cohen syndrome. c.2934+2T>G has not been observed in cases with relevant disease. Relevant functional assessments of this variant are not available in the literature. c.2934+2T>G has not been observed in referenced population frequency databases. In summary, NM_017890.4(VPS13B):c.2934+2T>G is a variant in a canonical splice site in a gene where loss of function is a known mechanism of disease and is predicted to disrupt protein function. Please note: this variant was assessed in the context of healthy population screening.